The following is an entry in ClinVar:

ClinVar aggregate classification (germline): Uncertain significance (1 of 4 stars; one submission).

Conditions:
Glycogen storage disease IXd (GSD9D). Also called: Muscle Phosphorylase Kinase Deficiency; GSD IXd. Identifiers: Orphanet 715, MedGen C1845151, MONDO:0010362, OMIM 300559.

Submission:

Labcorp Genetics (formerly Invitae), Labcorp
Classification: Uncertain significance for Glycogen storage disease IXd. Last evaluated: 2022-07-23. Review status: criteria provided, single submitter. Criteria: Invitae Variant Classification Sherloc (09022015). Collection method: clinical testing. Allele origin: germline.
Comment: This variant is not present in population databases (gnomAD no frequency). This sequence change replaces lysine, which is basic and polar, with asparagine, which is neutral and polar, at codon 397 of the PHKA1 protein (p.Lys397Asn). This variant has not been reported in the literature in individuals affected with PHKA1-related conditions. In summary, the available evidence is currently insufficient to determine the role of this variant in disease. Therefore, it has been classified as a Variant of Uncertain Significance. Algorithms developed to predict the effect of missense changes on protein structure and function (SIFT, PolyPhen-2, Align-GVGD) all suggest that this variant is likely to be tolerated.

NM_002637.4(PHKA1):c.1191A>T (p.Lys397Asn)

Gene: PHKA1 (phosphorylase kinase regulatory subunit alpha 1; minus strand). Cytogenetic location: Xq13.1.
Variant type: single nucleotide variant.
Coding change: c.1191A>T on transcript NM_002637.4 (MANE Select); coding-DNA position 1191, A replaced by T.
Protein change: p.Lys397Asn; replaces lysine 397 with asparagine.
Molecular consequence: missense variant.
Genome position (GRCh38, 1-based): chrX:72,652,598, T>A on the plus strand (A>T on the coding strand, the complement: PHKA1 is on the minus strand). VCF-style: chrX-72652598-T-A. GRCh37 (hg19) VCF-style: chrX-71872448-T-A.
Other names: c.1191A>T, p.Lys397Asn (NM_001122670.2, NM_001172436.2); short protein forms K397N.
Identifiers: ClinVar variation 1713536 (VCV001713536.6), dbSNP rs2522609422, ClinGen allele CA413593124.